The following is an entry in ClinVar:

NM_002546.4(TNFRSF11B):c.1140G>C (p.Leu380Phe)

Gene: TNFRSF11B (TNF receptor superfamily member 11b; minus strand). Cytogenetic location: 8q24.12.
Variant type: single nucleotide variant.
Coding change: c.1140G>C on transcript NM_002546.4 (MANE Select); coding-DNA position 1140, G replaced by C.
Protein change: p.Leu380Phe; replaces leucine 380 with phenylalanine.
Molecular consequence: missense variant.
Genome position (GRCh38, 1-based): chr8:118,924,440, C>G on the plus strand (G>C on the coding strand, the complement: TNFRSF11B is on the minus strand). VCF-style: chr8-118924440-C-G. GRCh37 (hg19) VCF-style: chr8-119936679-C-G.
Other names: short protein forms L380F.
Identifiers: ClinVar variation 2104747 (VCV002104747.4), dbSNP rs751356592, ClinGen allele CA4854760.

ClinVar aggregate classification (germline): Uncertain significance (1 of 4 stars; one submission).

Allele frequency attached by ClinVar (database versions not stated): ExAC 0.00001; gnomAD 0.00001; TOPMed 0.00001.
gnomAD v4.1: 4 of 1,614,002 alleles (0.00025%); highest among the groups gnomAD compares: African/African-American, 0.0053%; no homozygotes.

Submission:

Labcorp Genetics (formerly Invitae), Labcorp
Classification: Uncertain significance. Last evaluated: 2022-08-22. Review status: criteria provided, single submitter. Criteria: Invitae Variant Classification Sherloc (09022015). Collection method: clinical testing. Allele origin: germline.
Comment: In summary, the available evidence is currently insufficient to determine the role of this variant in disease. Therefore, it has been classified as a Variant of Uncertain Significance. Algorithms developed to predict the effect of missense changes on protein structure and function are either unavailable or do not agree on the potential impact of this missense change (SIFT: "Deleterious"; PolyPhen-2: "Probably Damaging"; Align-GVGD: "Class C0"). This variant has not been reported in the literature in individuals affected with TNFRSF11B-related conditions. This variant is present in population databases (rs751356592, gnomAD 0.02%). This sequence change replaces leucine, which is neutral and non-polar, with phenylalanine, which is neutral and non-polar, at codon 380 of the TNFRSF11B protein (p.Leu380Phe).